The following is an entry in ClinVar:

GRCh37/hg19 Xq24(chrX:118498236-118804983)x1

Genes: NKRF (NFKB repressing factor; minus strand), SEPTIN6 (septin 6; minus strand), SLC25A43 (solute carrier family 25 member 43; plus strand), SLC25A5 (solute carrier family 25 member 5; plus strand), STEEP1 (STING1 ER exit protein 1; minus strand) and 1 more. Cytogenetic location: Xq24.
Variant type: copy number loss.
Change: copy number 1 of chrX:118,498,236-118,804,983 (306.7 kb, GRCh37 coordinates, 1-based), cytogenetic band Xq24.
Identifiers: ClinVar variation 1807889 (VCV001807889.2).

ClinVar aggregate classification (germline): Uncertain significance (1 of 4 stars; one submission).

Submission:

Quest Diagnostics Nichols Institute San Juan Capistrano
Classification: Uncertain significance. Last evaluated: 2026-06-05. Review status: criteria provided, single submitter. Criteria: ACMG/ClinGen CNV Guidelines, 2019. Collection method: clinical testing. Allele origin: unknown.
Comment: Similar copy number losses involving UBE2A have been reported in association with the Nascimento form of syndromic X-linked intellectual developmental disorder (OMIM 300860) in males, all of which were inherited from an unaffected mother (Czeschik 2013, de Leeuw 2010, Honda 2010, Tolmacheva 2020, Thunstrom 2015, Utine 2014, Wolanska 2021). However, haploinsufficiency of UBE2A has not yet been conclusively established (CCID:008075).

Literature cited by the submitters: PubMed 24053514; PubMed 21108393; PubMed 37285546; PubMed 20339384; PubMed 32485717; PubMed 25287747; PubMed 24508361; PubMed 33673493.